The following is an entry in ClinVar:

ClinVar aggregate classification (germline): Likely pathogenic (1 of 4 stars; one submission).

Conditions:
HNSHA due to aldolase A deficiency (GSD12). Also called: GLYCOGEN STORAGE DISEASE XII; GSD XII; RED CELL ALDOLASE DEFICIENCY; Glycogen storage disease due to aldolase A deficiency. Identifiers: Orphanet 57, MedGen C0272066, MONDO:0012747, OMIM 611881.

gnomAD v4.1: 1 of 1,614,222 alleles (0.000062%); highest among the groups gnomAD compares: Non-Finnish European, 0.000085%; no homozygotes.

Submissions (2):

Labcorp Genetics (formerly Invitae), Labcorp
Classification: Likely pathogenic for HNSHA due to aldolase A deficiency. Last evaluated: 2024-06-13. Review status: criteria provided, single submitter. Criteria: Invitae Variant Classification Sherloc (09022015). Collection method: clinical testing. Allele origin: germline.
Comment: This sequence change affects a donor splice site in intron 10 of the ALDOA gene. It is expected to disrupt RNA splicing. Variants that disrupt the donor or acceptor splice site typically lead to a loss of protein function (PMID: 16199547), and loss-of-function variants in ALDOA are known to be pathogenic (PMID: 2825199, 14615364). This variant is not present in population databases (gnomAD no frequency). This variant has not been reported in the literature in individuals affected with ALDOA-related conditions. Algorithms developed to predict the effect of sequence changes on RNA splicing suggest that this variant may disrupt the consensus splice site. In summary, the currently available evidence indicates that the variant is pathogenic, but additional data are needed to prove that conclusively. Therefore, this variant has been classified as Likely Pathogenic.

Dr. Peter K. Rogan Lab, Western University
No classification provided (evidence only). Condition: Ovarian serous cystadenocarcinoma. Review status: no classification provided. Collection method: in vitro. Allele origin: not applicable. Functional consequence: retained intron. Not counted in ClinVar's aggregate classification.

Literature cited by the submitters: PubMed 16199547 (cited by Labcorp Genetics (formerly Invitae), Labcorp); PubMed 2825199 (cited by Labcorp Genetics (formerly Invitae), Labcorp); PubMed 14615364 (cited by Labcorp Genetics (formerly Invitae), Labcorp).

NM_001243177.4(ALDOA):c.702+1G>A

Genes: ALDOA (aldolase, fructose-bisphosphate A; plus strand), LOC112694756 (uncharaterized LOC112694756; plus strand). Cytogenetic location: 16p11.2.
Variant type: single nucleotide variant.
Coding change: c.702+1G>A on transcript NM_001243177.4 (MANE Select); the canonical splice donor site of the intron after coding-DNA position 702, G replaced by A.
Molecular consequence: splice donor variant.
Genome position (GRCh38, 1-based): chr16:30,068,979, G>A. VCF-style: chr16-30068979-G-A. GRCh37 (hg19) VCF-style: chr16-30080300-G-A.
Other names: c.*1049+1G>A (NM_001365307.2, NM_001365305.2, NM_001365304.2); c.540+1G>A (NM_184043.2, NM_001127617.2, NM_184041.5).
Identifiers: ClinVar variation 3697760 (VCV003697760.3).
Genomic context (GRCh38, chr16:30,068,979, plus strand): 5'-GCCCTCGCCATCATGGAAAATGCCAATGTTCTGGCCCGTTATGCCAGTATCTGCCAGCAG[G>A]TGGGCCTGCAGGTCCTCAATAGGCAACCTCCTACCTCATTTGGTTCCAGTGTTGTTAATT-3'